The following is an entry in ClinVar:

NC_000011.9:g.(?_2185463)_(2187013_?)del

Gene: TH (tyrosine hydroxylase; minus strand). Cytogenetic location: 11p15.5.
Variant type: Deletion.
Identifiers: ClinVar variation 3244625 (VCV003244625.1).

ClinVar aggregate classification (germline): Pathogenic (1 of 4 stars; one submission).

Conditions:
TH-deficient dopa-responsive dystonia. Also called: DYT-TH; Tyrosine Hydroxylase-Deficient Dopa-Responsive Dystonia; Segawa syndrome, autosomal recessive. Identifiers: Orphanet 101150, MedGen C2673535, MONDO:0011551, OMIM 605407.

Submission:

Labcorp Genetics (formerly Invitae), Labcorp
Classification: Pathogenic for TH-deficient dopa-responsive dystonia. Last evaluated: 2023-06-12. Review status: criteria provided, single submitter. Criteria: Invitae Variant Classification Sherloc (09022015). Collection method: clinical testing. Allele origin: unknown.
Comment: For these reasons, this variant has been classified as Pathogenic. This variant disrupts a region of the TH protein in which other variant(s) (p.Asp498Gly) have been determined to be pathogenic (PMID: 11160968, 15505183, 15747353, 24753243). This suggests that this is a clinically significant region of the protein, and that variants that disrupt it are likely to be disease-causing. This variant has not been reported in the literature in individuals affected with TH-related conditions. This variant is a gross deletion of the genomic region encompassing exon(s) 12-14 of the TH gene, which includes the termination codon. This deletion extends beyond the assayed region for this gene and therefore may encompass additional genes. While this deletion is not anticipated to lead to nonsense mediated decay, it is expected to alter mRNA translation or result in a truncated protein product.

Literature cited by the submitters: PubMed 11160968; PubMed 15505183; PubMed 15747353; PubMed 24753243.